The following is an entry in ClinVar:

ClinVar aggregate classification (germline): Pathogenic. Review status: criteria provided, multiple submitters, no conflicts (2 of 4 stars). 2 submissions from 2 submitters: Pathogenic (2). Last evaluated 2024-09-23.

Conditions:
CUBN-related disorder. Also called: CUBN-related condition.
CUBN-related disorders.

Allele frequency attached by ClinVar (database versions not stated): TOPMed below 0.00001; ExAC 0.00001; gnomAD exomes 0.00001.

Submissions (2):

Blueprint Genetics
Classification: Pathogenic for CUBN-related disorders. Last evaluated: 2024-09-23. Review status: criteria provided, single submitter. Criteria: ACMG Guidelines, 2015. Collection method: clinical testing. Allele origin: germline. Affected: yes. Observed: 2 variant alleles.

PreventionGenetics, part of Exact Sciences
Classification: Pathogenic for CUBN-related condition. Last evaluated: 2023-03-12. Review status: criteria provided, single submitter. Criteria: ACMG Guidelines, 2015. Collection method: clinical testing. Allele origin: germline.
Comment: The CUBN c.8355delA variant is predicted to result in a frameshift and premature protein termination (p.Asp2786Thrfs*18). This variant has been reported in the homozygous state in two siblings with intermittent nephrotic-range proteinuria (Figure 2, Ovunc et al. 2011. PubMed ID: 21903995). This variant has also been reported as a de novo variant, along with an additional CUBN variant, in an unrelated individual with proteinuria (Patient P2 in Table 1, Domingo-Gallego et al. 2022. PubMed ID: 34610128). This variant is reported in 0.00088% of alleles in individuals of European (Non-Finnish) descent in gnomAD. Frameshift variants in CUBN are expected to be pathogenic. This variant is interpreted as pathogenic.

NM_001081.4(CUBN):c.8355del (p.Asp2786fs)

Gene: CUBN (cubilin; minus strand). Cytogenetic location: 10p13.
Variant type: Deletion.
Coding change: c.8355del on transcript NM_001081.4 (MANE Select); coding-DNA position 8355, one base deleted (A; older notation c.8355delA).
Protein change: p.Asp2786fs; shifts the reading frame from aspartic acid 2786.
Molecular consequence: frameshift variant.
Genome position (GRCh38, 1-based): chr10:16,900,680, T deleted on the plus strand (A on the coding strand, the reverse complement: CUBN is on the minus strand). VCF-style (leftmost placement, unchanged base first): chr10-16900679-CT-C. GRCh37 (hg19) VCF-style: chr10-16942678-CT-C.
Other names: short protein forms D2786fs.
Identifiers: ClinVar variation 2628983 (VCV002628983.2), dbSNP rs745987406, ClinGen allele CA5423066.
Genomic context (GRCh38, chr10:16,900,679, plus strand): 5'-TTTTACCTAAAGTTTGTGTGTTCCACGTAGCATAAAATCCACCACCTTGCAATGAATGGT[CT>C]GAGTTAAAAGTCACGACCAGCTGATTGGAACCTGACTGTATTGTCCTGGGGTTTGAATTT-3'